The following is an entry in ClinVar:

NM_005560.6(LAMA5):c.4485G>A (p.Thr1495=)

Gene: LAMA5 (laminin subunit alpha 5; minus strand). Cytogenetic location: 20q13.33.
Variant type: single nucleotide variant.
Coding change: c.4485G>A on transcript NM_005560.6 (MANE Select); coding-DNA position 4485, G replaced by A.
Protein change: p.Thr1495=; no amino-acid change (threonine 1495 retained).
Molecular consequence: synonymous variant.
Genome position (GRCh38, 1-based): chr20:62,328,408, C>T on the plus strand (G>A on the coding strand, the complement: LAMA5 is on the minus strand). VCF-style: chr20-62328408-C-T. GRCh37 (hg19) VCF-style: chr20-60903464-C-T.
Other names: c.4485G>A (NM_005560.4).
Identifiers: ClinVar variation 1354444 (VCV001354444.9), dbSNP rs369319537, ClinGen allele CA9942579.

ClinVar aggregate classification (germline): Likely benign. Review status: criteria provided, multiple submitters, no conflicts (2 of 4 stars). 2 submissions from 2 submitters: Likely benign (2). Last evaluated 2026-08-11.

Conditions:
LAMA5-related disorder. Also called: LAMA5-related condition; LAMA5-Related Disorders.

Allele frequency attached by ClinVar (database versions not stated): gnomAD exomes 0.00003 and 0.00017; ESP Exome Variant Server 0.00008; ExAC 0.00012; gnomAD 0.00024; 1000 Genomes Project 30x 0.00031; TOPMed 0.00032; 1000 Genomes Project 0.00040.
gnomAD v4.1: 80 of 1,533,034 alleles (0.0052%); highest among the groups gnomAD compares: Admixed American, 0.12%; 1 homozygote.

Submissions (2):

PreventionGenetics, part of Exact Sciences
Classification: Likely benign for LAMA5-related condition. Last evaluated: 2026-08-11. Review status: criteria provided, single submitter. Criteria: ACMG Guidelines, 2015. Collection method: clinical testing. Allele origin: germline.
Comment: This variant is classified as likely benign based on ACMG/AMP sequence variant interpretation guidelines (Richards et al. 2015 PMID: 25741868, with internal and published modifications).

Labcorp Genetics (formerly Invitae), Labcorp
Classification: Likely benign. Last evaluated: 2025-07-16. Review status: criteria provided, single submitter. Criteria: Invitae Variant Classification Sherloc (09022015). Collection method: clinical testing. Allele origin: germline.